The following is an entry in ClinVar:

ClinVar aggregate classification (germline): Conflicting classifications of pathogenicity. Review status: criteria provided, conflicting classifications (1 of 4 stars). 4 submissions from 4 submitters: Pathogenic (1); Likely pathogenic (1); Uncertain significance (1). 1 of the submissions does not count toward it. Last evaluated 2025-08-03.

Conditions:
Inborn genetic diseases. Identifiers: MedGen C0950123, MeSH D030342.
Sulfite oxidase deficiency due to molybdenum cofactor deficiency type A. Also called: Molybdenum cofactor deficiency, complementation group A; Molybdenum Cofactor Deficiency A. Identifiers: Orphanet 308386, Orphanet 833, MedGen C1854988, MONDO:0009643, OMIM 252150.

Allele frequency attached by ClinVar (database versions not stated): ExAC 0.00005; gnomAD 0.00006 and 0.00007; TOPMed 0.00006; gnomAD exomes 0.00006 and 0.00009.
gnomAD v4.1: 138 of 1,612,236 alleles (0.0086%); highest among the groups gnomAD compares: Non-Finnish European, 0.01%; no homozygotes.

Submissions (4):

Labcorp Genetics (formerly Invitae), Labcorp
Classification: Likely pathogenic for Sulfite oxidase deficiency due to molybdenum cofactor deficiency type A. Last evaluated: 2025-08-03. Review status: criteria provided, single submitter. Criteria: Invitae Variant Classification Sherloc (09022015). Collection method: clinical testing. Allele origin: germline.
Comment: This sequence change replaces arginine, which is basic and polar, with tryptophan, which is neutral and slightly polar, at codon 73 of the MOCS1 protein (p.Arg73Trp). This variant is present in population databases (rs104893970, gnomAD 0.03%). This missense change has been observed in individuals with molybdenum cofactor deficiency (PMID: 9921896, 20573177, 35192225, 37789894; internal data). ClinVar contains an entry for this variant (Variation ID: 6121). An algorithm developed to predict the effect of missense changes on protein structure and function (PolyPhen-2) suggests that this variant is likely to be disruptive. In summary, the currently available evidence indicates that the variant is pathogenic, but additional data are needed to prove that conclusively. Therefore, this variant has been classified as Likely Pathogenic.

Women's Health and Genetics/Laboratory Corporation of America, LabCorp
Classification: Pathogenic for Sulfite oxidase deficiency due to molybdenum cofactor deficiency type A. Last evaluated: 2023-04-28. Review status: criteria provided, single submitter. Criteria: LabCorp Variant Classification Summary - May 2015. Collection method: clinical testing. Allele origin: germline.
Comment: Variant summary: MOCS1 c.217C>T (p.Arg73Trp) results in a non-conservative amino acid change located in the Elp3/MiaA/NifB-like, radical SAM core domain (IPR006638) of the encoded protein sequence. Five of five in-silico tools predict a damaging effect of the variant on protein function. The variant allele was found at a frequency of 6.4e-05 in 249500 control chromosomes. This frequency is not significantly higher than estimated for a pathogenic variant in MOCS1 causing Sulfite Oxidase Deficiency Due To Molybdenum Cofactor Deficiency Type A (6.4e-05 vs ND), allowing no conclusion about variant significance. c.217C>T has been reported in the literature in homozygote and compound heterozygous individuals affected with Sulfite Oxidase Deficiency Due To Molybdenum Cofactor Deficiency Type A (examples: Reiss_1998, Gumus_2010, Wu_2021). These data indicate that the variant is very likely to be associated with disease. To our knowledge, no experimental evidence demonstrating an impact on protein function has been reported. The following publications have been ascertained in the context of this evaluation (PMID: 9921896, 20573177, 33840416). One clinical diagnostic laboratory has submitted clinical-significance assessments for this variant to ClinVar after 2014 without evidence for independent evaluation, classifying the variant as likely pathogenic. Based on the evidence outlined above, the variant was classified as pathogenic.

Ambry Genetics
Classification: Uncertain significance for Inborn genetic diseases. Last evaluated: 2022-07-17. Review status: criteria provided, single submitter. Criteria: Ambry Variant Classification Scheme 2023. Collection method: clinical testing. Allele origin: germline.

OMIM
Classification: Pathogenic for MOLYBDENUM COFACTOR DEFICIENCY, TYPE A. Last evaluated: 2003-06-01. Review status: no assertion criteria provided. Collection method: literature only. Allele origin: germline. Not counted in ClinVar's aggregate classification.

Literature cited by the submitters: PubMed 9921896 (cited by 3 submitters); PubMed 20573177 (cited by 3 submitters); PubMed 35192225 (cited by Labcorp Genetics (formerly Invitae), Labcorp); PubMed 37789894 (cited by Labcorp Genetics (formerly Invitae), Labcorp); PubMed 33840416 (cited by Women's Health and Genetics/Laboratory Corporation of America, LabCorp); PubMed 12754701 (cited by OMIM).

NM_001358530.2(MOCS1):c.217C>T (p.Arg73Trp)

Gene: MOCS1 (molybdenum cofactor synthesis 1; minus strand). Cytogenetic location: 6p21.2.
Variant type: single nucleotide variant.
Coding change: c.217C>T on transcript NM_001358530.2 (MANE Select); coding-DNA position 217, C replaced by T.
Protein change: p.Arg73Trp; replaces arginine 73 with tryptophan.
Molecular consequence: missense variant. On other transcripts: 5 prime UTR variant (1), intron variant (2).
Genome position (GRCh38, 1-based): chr6:39,927,362, G>A on the plus strand (C>T on the coding strand, the complement: MOCS1 is on the minus strand). VCF-style: chr6-39927362-G-A. GRCh37 (hg19) VCF-style: chr6-39895101-G-A.
Other names: c.217C>T (NM_005943.5); c.217C>T, p.Arg73Trp (NM_001075098.4, NM_001358529.2, NM_005943.6); c.-45C>T (NM_001358534.2); c.-11-1517C>T (NM_001358531.2, NM_001358533.2); short protein forms R73W.
Identifiers: ClinVar variation 6121 (VCV000006121.13), dbSNP rs104893970, ClinGen allele CA117958.